The following is an entry in ClinVar:

ClinVar aggregate classification (germline): Uncertain significance (1 of 4 stars; one submission).

Allele frequency attached by ClinVar (database versions not stated): gnomAD 0.00001.
gnomAD v4.1: 1 of 1,614,014 alleles (0.000062%); highest among the groups gnomAD compares: African/African-American, 0.0013%; no homozygotes.

Submission:

Ambry Genetics
Classification: Uncertain significance. Last evaluated: 2025-11-29. Review status: criteria provided, single submitter. Criteria: Ambry Variant Classification Scheme 2023. Collection method: clinical testing. Allele origin: germline.
Comment: The p.T575I variant (also known as c.1724C>T), located in coding exon 12 of the RINT1 gene, results from a C to T substitution at nucleotide position 1724. The threonine at codon 575 is replaced by isoleucine, an amino acid with similar properties. This amino acid position is conserved. In addition, this alteration is predicted to be tolerated by in silico analysis. Since supporting evidence is limited at this time, the clinical significance of this alteration remains unclear.

NM_021930.6(RINT1):c.1724C>T (p.Thr575Ile)

Gene: RINT1 (RAD50 interactor 1; plus strand). Cytogenetic location: 7q22.3.
Variant type: single nucleotide variant.
Coding change: c.1724C>T on transcript NM_021930.6 (MANE Select); coding-DNA position 1724, C replaced by T.
Protein change: p.Thr575Ile; replaces threonine 575 with isoleucine.
Molecular consequence: missense variant. On other transcripts: non-coding transcript variant (1).
Genome position (GRCh38, 1-based): chr7:105,563,785, C>T. VCF-style: chr7-105563785-C-T. GRCh37 (hg19) VCF-style: chr7-105204232-C-T.
Other names: c.1490C>T, p.Thr497Ile (NM_001346599.2); c.701C>T, p.Thr234Ile (NM_001346600.2, NM_001346603.2); c.800C>T, p.Thr267Ile (NM_001346601.2); short protein forms T575I, T267I, T234I, T497I.
Identifiers: ClinVar variation 1778830 (VCV001778830.3), dbSNP rs1230555366, ClinGen allele CA368813644.
Genomic context (GRCh38, chr7:105,563,785, plus strand): 5'-GCTTTCAGTTCTTTCTACAACTTCAACAGGCTGCACTGGAGGTGTTTGCAGAGAATAATA[C>T]TCTGAGTAAATTGCAGCTAGGACAGCTAGCCTCTATGGAGAGCTCTGTCTTTGATGACAT-3'
Protein context (NP_068749.3, residues 565-585): AALEVFAENN[Thr575Ile]LSKLQLGQLA